The following is an entry in ClinVar:

NM_001130987.2(DYSF):c.4055T>C (p.Ile1352Thr)

Gene: DYSF (dysferlin; plus strand). Cytogenetic location: 2p13.2.
Variant type: single nucleotide variant.
Coding change: c.4055T>C on transcript NM_001130987.2 (MANE Select); coding-DNA position 4055, T replaced by C.
Protein change: p.Ile1352Thr; replaces isoleucine 1352 with threonine.
Molecular consequence: missense variant.
Genome position (GRCh38, 1-based): chr2:71,611,342, T>C. VCF-style: chr2-71611342-T-C. GRCh37 (hg19) VCF-style: chr2-71838472-T-C.
Other names: c.4004T>C, p.Ile1335Thr (NM_001130455.2, NM_001130983.2); c.3959T>C, p.Ile1320Thr (NM_001130976.2, NM_001130977.2); c.4001T>C, p.Ile1334Thr (NM_001130978.2, NM_003494.4); c.4094T>C, p.Ile1365Thr (NM_001130979.2); c.4052T>C, p.Ile1351Thr (NM_001130980.2, NM_001130981.2); c.4097T>C, p.Ile1366Thr (NM_001130982.2); c.3962T>C, p.Ile1321Thr (NM_001130984.2, NM_001130986.2); c.4055T>C, p.Ile1352Thr (NM_001130985.2); short protein forms I1335T, I1351T, I1352T, I1321T, I1365T, I1366T, I1320T, I1334T.
Identifiers: ClinVar variation 4778295 (VCV004778295.1).

ClinVar aggregate classification (germline): Uncertain significance (1 of 4 stars; one submission).

Conditions:
Neuromuscular disease caused by qualitative or quantitative defects of dysferlin. Also called: Qualitative or quantitative defects of dysferlin; Dysferlinopathy. Identifiers: Orphanet 207073, MedGen C2931687, MONDO:0016145.

Submission:

Labcorp Genetics (formerly Invitae), Labcorp
Classification: Uncertain significance for Neuromuscular disease caused by qualitative or quantitative defects of dysferlin. Last evaluated: 2025-04-02. Review status: criteria provided, single submitter. Criteria: Invitae Variant Classification Sherloc (09022015). Collection method: clinical testing. Allele origin: germline.
Comment: This sequence change replaces isoleucine, which is neutral and non-polar, with threonine, which is neutral and polar, at codon 1334 of the DYSF protein (p.Ile1334Thr). This variant is not present in population databases (gnomAD no frequency). This variant has not been reported in the literature in individuals affected with DYSF-related conditions. Invitae Evidence Modeling of protein sequence and biophysical properties (such as structural, functional, and spatial information, amino acid conservation, physicochemical variation, residue mobility, and thermodynamic stability) indicates that this missense variant is expected to disrupt DYSF protein function with a positive predictive value of 95%. In summary, the available evidence is currently insufficient to determine the role of this variant in disease. Therefore, it has been classified as a Variant of Uncertain Significance.